The following is an entry in ClinVar:

ClinVar aggregate classification (germline): Benign (1 of 4 stars; one submission).

Allele frequency attached by ClinVar (database versions not stated): 1000 Genomes Project 30x 0.26593; 1000 Genomes Project 0.26717; TOPMed 0.27383; gnomAD 0.30121 and 0.30474.
gnomAD v4.1: 40,942 of 133,982 alleles (31%); highest among the groups gnomAD compares: South Asian, 40%; 6,810 homozygotes.

Submission:

GeneDx
Classification: Benign. Last evaluated: 2018-06-14. Review status: criteria provided, single submitter. Criteria: GeneDx Variant Classification (06012015). Collection method: clinical testing. Allele origin: germline. Affected: yes.
Comment: This variant is considered likely benign or benign based on one or more of the following criteria: it is a conservative change, it occurs at a poorly conserved position in the protein, it is predicted to be benign by multiple in silico algorithms, and/or has population frequency not consistent with disease.

NM_213649.2(SFXN4):c.334+303C>T

Gene: SFXN4 (sideroflexin 4; minus strand). Cytogenetic location: 10q26.11.
Variant type: single nucleotide variant.
Coding change: c.334+303C>T on transcript NM_213649.2 (MANE Select); 303 bases into the intron after coding-DNA position 334, C replaced by T.
Molecular consequence: intron variant.
Genome position (GRCh38, 1-based): chr10:119,160,612, G>A on the plus strand (C>T on the coding strand, the complement: SFXN4 is on the minus strand). VCF-style: chr10-119160612-G-A. GRCh37 (hg19) VCF-style: chr10-120920124-G-A.
Identifiers: ClinVar variation 667484 (VCV000667484.1), dbSNP rs3824823, ClinGen allele CA16403655.